The following is an entry in ClinVar:

ClinVar aggregate classification (germline): Conflicting classifications of pathogenicity. Review status: criteria provided, conflicting classifications (1 of 4 stars). 3 submissions from 3 submitters: Uncertain significance (1); Likely benign (2). Last evaluated 2024-08-02.

Conditions:
Cardiomyopathy (CMYO). Also called: Cardiomyopathies. Identifiers: Orphanet 167848, MedGen C0878544, MONDO:0004994, HP:0001638. Inheritance: Various modes of inheritance.
Hypertrophic cardiomyopathy. Also called: HYPERTROPHIC MYOCARDIOPATHY. Identifiers: Orphanet 217569, MedGen C0007194, MeSH D002312, MONDO:0005045, HP:0001639.

Allele frequency attached by ClinVar (database versions not stated): gnomAD exomes below 0.00001 and 0.00001; ExAC 0.00001; gnomAD 0.00003.
gnomAD v4.1: 6 of 1,610,558 alleles (0.00037%); highest among the groups gnomAD compares: Middle Eastern, 0.017%; no homozygotes.

Submissions (3):

Labcorp Genetics (formerly Invitae), Labcorp
Classification: Likely benign for Hypertrophic cardiomyopathy. Last evaluated: 2024-08-02. Review status: criteria provided, single submitter. Criteria: Invitae Variant Classification Sherloc (09022015). Collection method: clinical testing. Allele origin: germline.

CHEO Genetics Diagnostic Laboratory, Children's Hospital of Eastern Ontario
Classification: Uncertain significance for Cardiomyopathy. Last evaluated: 2018-06-11. Review status: criteria provided, single submitter. Criteria: ACMG Guidelines, 2015. Collection method: clinical testing. Allele origin: germline.

Laboratory for Molecular Medicine, Mass General Brigham Personalized Medicine
Classification: Likely benign. Last evaluated: 2011-07-21. Review status: criteria provided, single submitter. Criteria: LMM Criteria. Collection method: clinical testing. Allele origin: germline. Observed: 1 variant allele.
Comment: Because our laboratory has not yet sequenced a large number of individuals from this geographic region, it is possible that this variant is common in this population. This variant affects a base that is part of the less conserved port ion of the splice consensus sequence. Although variants in this region can be p athogenic if they affect splicing, this is less likely for this variant because splice variants in the MYH7 gene are extremely rare and have only been observed in patients with LVNC (Klaassen 2008). In summary, this variant is more likely benign.

NM_000257.4(MYH7):c.3337-10G>A

Gene: MYH7 (myosin heavy chain 7; minus strand). Cytogenetic location: 14q11.2.
Variant type: single nucleotide variant.
Coding change: c.3337-10G>A on transcript NM_000257.4 (MANE Select); 10 bases into the intron before coding-DNA position 3337, G replaced by A.
Molecular consequence: intron variant.
Genome position (GRCh38, 1-based): chr14:23,420,244, C>T on the plus strand (G>A on the coding strand, the complement: MYH7 is on the minus strand). VCF-style: chr14-23420244-C-T. GRCh37 (hg19) VCF-style: chr14-23889453-C-T.
Identifiers: ClinVar variation 42955 (VCV000042955.13), dbSNP rs397516181, ClinGen allele CA013581.
Genomic context (GRCh38, chr14:23,420,244, plus strand): 5'-CCTGGCGGTGCGCTCGGCCTCCAGCTCCTCCTCCAGCTCCTCGATGCGTGCCTGGTCAGA[C>T]ACAAAGGGCTCAGACCCACCGCCTGGACCCCTCCACTGGAATCCCCCCGGCTCTAAAAGG-3'